The following is an entry in ClinVar:

ClinVar aggregate classification (germline): Uncertain significance. Review status: criteria provided, multiple submitters, no conflicts (2 of 4 stars). 2 submissions from 2 submitters: Uncertain significance (2). Last evaluated 2024-09-12.

Conditions:
Hereditary spastic paraplegia 2 (SPG2). Also called: SPASTIC PARAPLEGIA 2, X-LINKED; Spastic Paraplegia 2 (SPG2). Identifiers: Orphanet 99015, MedGen C0751604, MONDO:0010733, OMIM 312920.

Allele frequency attached by ClinVar (database versions not stated): gnomAD exomes below 0.00001.
gnomAD v4.1: 1 of 1,207,706 alleles (0.000083%); highest among the groups gnomAD compares: Non-Finnish European, 0.00011%; no homozygotes.

Submissions (2):

Blueprint Genetics
Classification: Uncertain significance. Last evaluated: 2024-09-12. Review status: criteria provided, single submitter. Criteria: ACMG Guidelines, 2015. Collection method: clinical testing. Allele origin: germline.

Labcorp Genetics (formerly Invitae), Labcorp
Classification: Uncertain significance for Hereditary spastic paraplegia 2. Last evaluated: 2023-08-16. Review status: criteria provided, single submitter. Criteria: Invitae Variant Classification Sherloc (09022015). Collection method: clinical testing. Allele origin: germline.
Comment: This sequence change replaces glycine, which is neutral and non-polar, with aspartic acid, which is acidic and polar, at codon 2 of the PLP1 protein (p.Gly2Asp). This variant is not present in population databases (gnomAD no frequency). This variant has not been reported in the literature in individuals affected with PLP1-related conditions. An algorithm developed to predict the effect of missense changes on protein structure and function (PolyPhen-2) suggests that this variant is likely to be disruptive. In summary, the available evidence is currently insufficient to determine the role of this variant in disease. Therefore, it has been classified as a Variant of Uncertain Significance.

NM_000533.5(PLP1):c.5G>A (p.Gly2Asp)

Genes: PLP1 (proteolipid protein 1; plus strand), RAB9B (RAB9B, member RAS oncogene family; minus strand). Cytogenetic location: Xq22.2.
Variant type: single nucleotide variant.
Coding change: c.5G>A on transcript NM_000533.5 (MANE Select); coding-DNA position 5, G replaced by A.
Protein change: p.Gly2Asp; replaces glycine 2 with aspartic acid.
Molecular consequence: missense variant. On other transcripts: intron variant (1).
Genome position (GRCh38, 1-based): chrX:103,785,582, G>A. VCF-style: chrX-103785582-G-A. GRCh37 (hg19) VCF-style: chrX-103040511-G-A.
Other names: c.5G>A, p.Gly2Asp (NM_001128834.3, NM_199478.3); c.5-165G>A (NM_001305004.1); short protein forms G2D.
Identifiers: ClinVar variation 2782043 (VCV002782043.4), dbSNP rs2522300700, ClinGen allele CA414101722.